The following is an entry in ClinVar:

ClinVar aggregate classification (germline): Uncertain significance (1 of 4 stars; one submission).

Allele frequency attached by ClinVar (database versions not stated): TOPMed below 0.00001; gnomAD exomes 0.00001; ExAC 0.00002.
gnomAD v4.1: 6 of 1,614,250 alleles (0.00037%); highest among the groups gnomAD compares: Admixed American, 0.0083%; no homozygotes.

Submission:

Labcorp Genetics (formerly Invitae), Labcorp
Classification: Uncertain significance. Last evaluated: 2024-05-23. Review status: criteria provided, single submitter. Criteria: Invitae Variant Classification Sherloc (09022015). Collection method: clinical testing. Allele origin: germline.
Comment: This sequence change replaces phenylalanine, which is neutral and non-polar, with serine, which is neutral and polar, at codon 452 of the LBR protein (p.Phe452Ser). This variant is present in population databases (rs762651731, gnomAD 0.01%). This variant has not been reported in the literature in individuals affected with LBR-related conditions. Advanced modeling of protein sequence and biophysical properties (such as structural, functional, and spatial information, amino acid conservation, physicochemical variation, residue mobility, and thermodynamic stability) performed at Invitae indicates that this missense variant is expected to disrupt LBR protein function with a positive predictive value of 80%. In summary, the available evidence is currently insufficient to determine the role of this variant in disease. Therefore, it has been classified as a Variant of Uncertain Significance.

NM_002296.4(LBR):c.1355T>C (p.Phe452Ser)

Gene: LBR (lamin B receptor; minus strand). Cytogenetic location: 1q42.12.
Variant type: single nucleotide variant.
Coding change: c.1355T>C on transcript NM_002296.4 (MANE Select); coding-DNA position 1355, T replaced by C.
Protein change: p.Phe452Ser; replaces phenylalanine 452 with serine.
Molecular consequence: missense variant.
Genome position (GRCh38, 1-based): chr1:225,406,792, A>G on the plus strand (T>C on the coding strand, the complement: LBR is on the minus strand). VCF-style: chr1-225406792-A-G. GRCh37 (hg19) VCF-style: chr1-225594494-A-G.
Other names: c.1355T>C, p.Phe452Ser (NM_194442.3); short protein forms F452S.
Identifiers: ClinVar variation 2978119 (VCV002978119.3), dbSNP rs762651731, ClinGen allele CA1417155.
Genomic context (GRCh38, chr1:225,406,792, plus strand): 5'-GCTTGGAAGCTGTAAATAAAGGGAACCCACACCAAGTCTCCAAAAGCCAGCATGAATCCA[A>G]ATCCATCGTGGATGATGTCCATGGTCGTCAACAACGCTTCCTATAAGGATACAGACGGGG-3'
Protein context (NP_002287.2, residues 442-462): LTTMDIIHDG[Phe452Ser]GFMLAFGDLV